The following is an entry in ClinVar:

ClinVar aggregate classification (germline): Benign (1 of 4 stars; one submission).

Allele frequency attached by ClinVar (database versions not stated): gnomAD 0.03399 and 0.03423; TOPMed 0.03613; 1000 Genomes Project 0.05331; 1000 Genomes Project 30x 0.05512.
gnomAD v4.1: 5,124 of 152,292 alleles (3.4%); highest among the groups gnomAD compares: African/African-American, 9.6%; 201 homozygotes.

Submission:

GeneDx
Classification: Benign. Last evaluated: 2018-06-19. Review status: criteria provided, single submitter. Criteria: GeneDx Variant Classification (06012015). Collection method: clinical testing. Allele origin: germline. Affected: yes.
Comment: This variant is considered likely benign or benign based on one or more of the following criteria: it is a conservative change, it occurs at a poorly conserved position in the protein, it is predicted to be benign by multiple in silico algorithms, and/or has population frequency not consistent with disease.

NM_174934.4(SCN4B):c.463+270G>C

Gene: SCN4B (sodium voltage-gated channel beta subunit 4; minus strand). Cytogenetic location: 11q23.3.
Variant type: single nucleotide variant.
Coding change: c.463+270G>C on transcript NM_174934.4 (MANE Select); 270 bases into the intron after coding-DNA position 463, G replaced by C.
Molecular consequence: intron variant.
Genome position (GRCh38, 1-based): chr11:118,143,563, C>G on the plus strand (G>C on the coding strand, the complement: SCN4B is on the minus strand). VCF-style: chr11-118143563-C-G. GRCh37 (hg19) VCF-style: chr11-118014278-C-G.
Other names: c.62-2227G>C (NM_001142348.2); c.133+270G>C (NM_001142349.2).
Identifiers: ClinVar variation 669439 (VCV000669439.1), dbSNP rs7124973, ClinGen allele CA229488346.